The following is an entry in ClinVar:

NM_000283.4(PDE6B):c.114C>T (p.Asp38=)

Gene: PDE6B (phosphodiesterase 6B; plus strand). Cytogenetic location: 4p16.3.
Variant type: single nucleotide variant.
Coding change: c.114C>T on transcript NM_000283.4 (MANE Select); coding-DNA position 114, C replaced by T.
Protein change: p.Asp38=; no amino-acid change (aspartic acid 38 retained).
Molecular consequence: synonymous variant.
Genome position (GRCh38, 1-based): chr4:625,740, C>T. VCF-style: chr4-625740-C-T. GRCh37 (hg19) VCF-style: chr4-619529-C-T.
Other names: c.114C>T, p.Asp38= (NM_001145291.2).
Identifiers: ClinVar variation 743265 (VCV000743265.11), dbSNP rs371572108, ClinGen allele CA2793845.

ClinVar aggregate classification (germline): Likely benign. Review status: criteria provided, multiple submitters, no conflicts (2 of 4 stars). 3 submissions from 3 submitters: Likely benign (3). Last evaluated 2025-08-18.

Conditions:
PDE6B-related disorder. Also called: PDE6B-related disease; PDE6B-related condition; PDE6B-related disorders.

Allele frequency attached by ClinVar (database versions not stated): gnomAD 0.00005 and 0.00010; ESP Exome Variant Server 0.00008; TOPMed 0.00008; gnomAD exomes 0.00018 and 0.00023; ExAC 0.00023; 1000 Genomes Project 30x 0.00047; 1000 Genomes Project 0.00060.
gnomAD v4.1: 282 of 1,613,336 alleles (0.017%); highest among the groups gnomAD compares: South Asian, 0.17%; 2 homozygotes.

Submissions (3):

Labcorp Genetics (formerly Invitae), Labcorp
Classification: Likely benign. Last evaluated: 2025-08-18. Review status: criteria provided, single submitter. Criteria: Invitae Variant Classification Sherloc (09022015). Collection method: clinical testing. Allele origin: germline.

PreventionGenetics, part of Exact Sciences
Classification: Likely benign for PDE6B-related condition. Last evaluated: 2025-05-08. Review status: criteria provided, single submitter. Criteria: ACMG Guidelines, 2015. Collection method: clinical testing. Allele origin: germline.
Comment: This variant is classified as likely benign based on ACMG/AMP sequence variant interpretation guidelines (Richards et al. 2015 PMID: 25741868, with internal and published modifications).

Blueprint Genetics
Classification: Likely benign. Last evaluated: 2024-11-26. Review status: criteria provided, single submitter. Criteria: ACMG Guidelines, 2015. Collection method: clinical testing. Allele origin: germline.